The following is an entry in ClinVar:

NM_001012339.3(DNAJC21):c.1066T>G (p.Phe356Val)

Gene: DNAJC21 (DnaJ heat shock protein family (Hsp40) member C21; plus strand). Cytogenetic location: 5p13.2.
Variant type: single nucleotide variant.
Coding change: c.1066T>G on transcript NM_001012339.3 (MANE Select); coding-DNA position 1066, T replaced by G.
Protein change: p.Phe356Val; replaces phenylalanine 356 with valine.
Molecular consequence: missense variant.
Genome position (GRCh38, 1-based): chr5:34,944,949, T>G. VCF-style: chr5-34944949-T-G. GRCh37 (hg19) VCF-style: chr5-34945054-T-G.
Other names: c.1066T>G, p.Phe356Val (NM_001348420.2, NM_194283.4); short protein forms F356V.
Identifiers: ClinVar variation 1061721 (VCV001061721.8), dbSNP rs749299159, ClinGen allele CA3228690.

ClinVar aggregate classification (germline): Uncertain significance (1 of 4 stars; one submission).

Allele frequency attached by ClinVar (database versions not stated): ExAC 0.00001; gnomAD exomes 0.00001.
gnomAD v4.1: 3 of 1,614,018 alleles (0.00019%); highest among the groups gnomAD compares: Admixed American, 0.0017%; no homozygotes.

Submission:

Labcorp Genetics (formerly Invitae), Labcorp
Classification: Uncertain significance. Last evaluated: 2024-02-24. Review status: criteria provided, single submitter. Criteria: Invitae Variant Classification Sherloc (09022015). Collection method: clinical testing. Allele origin: germline.
Comment: This sequence change replaces phenylalanine, which is neutral and non-polar, with valine, which is neutral and non-polar, at codon 356 of the DNAJC21 protein (p.Phe356Val). This variant is present in population databases (rs749299159, gnomAD 0.003%). This variant has not been reported in the literature in individuals affected with DNAJC21-related conditions. ClinVar contains an entry for this variant (Variation ID: 1061721). An algorithm developed to predict the effect of missense changes on protein structure and function (PolyPhen-2) suggests that this variant is likely to be disruptive. In summary, the available evidence is currently insufficient to determine the role of this variant in disease. Therefore, it has been classified as a Variant of Uncertain Significance.